The following is an entry in ClinVar:

ClinVar aggregate classification (germline): Likely pathogenic (1 of 4 stars; one submission).

Conditions:
ALG9 congenital disorder of glycosylation (CDG1L). Also called: CDG Il; CONGENITAL DISORDER OF GLYCOSYLATION, TYPE Il; ALG9-CDG. Identifiers: Orphanet 79328, MedGen C2931006, MONDO:0012117, OMIM 608776.

Allele frequency attached by ClinVar (database versions not stated): TOPMed below 0.00001.

Submission:

Labcorp Genetics (formerly Invitae), Labcorp
Classification: Likely pathogenic for ALG9 congenital disorder of glycosylation. Last evaluated: 2022-05-17. Review status: criteria provided, single submitter. Criteria: Invitae Variant Classification Sherloc (09022015). Collection method: clinical testing. Allele origin: germline.
Comment: This sequence change affects a splice site in intron 1 of the ALG9 gene. It is expected to disrupt RNA splicing. Variants that disrupt the donor or acceptor splice site typically lead to a loss of protein function (PMID: 16199547), and loss-of-function variants in ALG9 are known to be pathogenic (PMID: 25966638). This variant is not present in population databases (gnomAD no frequency). This variant has not been reported in the literature in individuals affected with ALG9-related conditions. Algorithms developed to predict the effect of sequence changes on RNA splicing suggest that this variant may disrupt the consensus splice site. In summary, the currently available evidence indicates that the variant is pathogenic, but additional data are needed to prove that conclusively. Therefore, this variant has been classified as Likely Pathogenic.

Literature cited by the submitters: PubMed 16199547; PubMed 25966638.

NM_024740.2(ALG9):c.131+1G>C

Genes: ALG9 (ALG9 alpha-1,2-mannosyltransferase; minus strand), LOC130006752 (ATAC-STARR-seq lymphoblastoid silent region 3902; plus strand). Cytogenetic location: 11q23.1.
Variant type: single nucleotide variant.
Coding change: c.131+1G>C on transcript NM_024740.2 (MANE Select); the canonical splice donor site of the intron after coding-DNA position 131, G replaced by C.
Molecular consequence: splice donor variant.
Genome position (GRCh38, 1-based): chr11:111,871,351, C>G on the plus strand (G>C on the coding strand, the complement: ALG9 is on the minus strand). VCF-style: chr11-111871351-C-G. GRCh37 (hg19) VCF-style: chr11-111742074-C-G.
Other names: c.-244+1G>C (NM_001352409.1); c.131+1G>C (NM_001352418.1, NM_001352417.1, NM_001077690.1); c.-387+1G>C (NM_001352410.1, NM_001352413.1).
Identifiers: ClinVar variation 2120195 (VCV002120195.4), dbSNP rs1964237631, ClinGen allele CA382616367.
Genomic context (GRCh38, chr11:111,871,351, plus strand): 5'-CCGGGGGCAGCCCCGAACCGCCCCGCCGGCCGGCCACGCCCCTGCCGCGCCGCACACGTA[C>G]TCGGTCCGGTGCTCCGCGCCGCCCGCCTCTCGGCTGCCCAGCAGCTCCCGCAGCTTGTCC-3'